The following is an entry in ClinVar:

NM_014874.4(MFN2):c.479T>G (p.Val160Gly)

Gene: MFN2 (mitofusin 2; plus strand). Cytogenetic location: 1p36.22.
Variant type: single nucleotide variant.
Coding change: c.479T>G on transcript NM_014874.4 (MANE Select); coding-DNA position 479, T replaced by G.
Protein change: p.Val160Gly; replaces valine 160 with glycine.
Molecular consequence: missense variant.
Genome position (GRCh38, 1-based): chr1:11,997,301, T>G. VCF-style: chr1-11997301-T-G. GRCh37 (hg19) VCF-style: chr1-12057358-T-G.
Other names: c.479T>G, p.Val160Gly (NM_001127660.2); short protein forms V160G.
Identifiers: ClinVar variation 243073 (VCV000243073.1), dbSNP rs879253861, ClinGen allele CA10584072.

ClinVar aggregate classification (germline): Likely pathogenic (1 of 4 stars; one submission).

Conditions:
Charcot-Marie-Tooth disease type 2A2. Also called: HEREDITARY MOTOR AND SENSORY NEUROPATHY IIA2; HMSN IIA2; Charcot-Marie-Tooth Neuropathy Type 2A2; CHARCOT-MARIE-TOOTH DISEASE, NEURONAL, TYPE 2A2; CHARCOT-MARIE-TOOTH DISEASE, AXONAL, AUTOSOMAL DOMINANT, TYPE 2A2A; CHARCOT-MARIE-TOOTH DISEASE, AXONAL, TYPE 2A2. Identifiers: Orphanet 99947, MedGen C4721887, MONDO:0012231, OMIM 609260.

Submission:

Lupski Lab, Baylor-Hopkins CMG, Baylor College of Medicine
Classification: Likely pathogenic for Charcot-Marie-Tooth disease type 2A2. Last evaluated: 2015-08-18. Review status: criteria provided, single submitter. Criteria: Gonzaga-Jauregui et al. (Cell Rep. 2015). Collection method: research. Allele origin: germline. Inheritance: Autosomal dominant inheritance. Affected: yes. Observed: 1 variant allele, 1 heterozygote.
Comment: Likely pathogenic based on conservation and prediction scores (Phylop, Polyphen, SIFT, MutationTaster) and consistent with peripheral axonal neuropathy of individual.